The following is an entry in ClinVar:

NM_005502.4(ABCA1):c.*368A>G

Genes: ABCA1 (ATP binding cassette subfamily A member 1; minus strand), NIPSNAP3B (nipsnap homolog 3B; plus strand). Cytogenetic location: 9q31.1.
Variant type: single nucleotide variant.
Coding change: c.*368A>G on transcript NM_005502.4 (MANE Select); 368 bases downstream of the stop codon, A replaced by G.
Molecular consequence: 3 prime UTR variant.
Genome position (GRCh38, 1-based): chr9:104,783,947, T>C on the plus strand (A>G on the coding strand, the complement: ABCA1 is on the minus strand). VCF-style: chr9-104783947-T-C. GRCh37 (hg19) VCF-style: chr9-107546228-T-C.
Identifiers: ClinVar variation 364368 (VCV000364368.5), dbSNP rs13306080, ClinGen allele CA10626151.
Genomic context (GRCh38, chr9:104,783,947, plus strand): 5'-GGCTTAGTGAATGAGGATGTGCATTACCTTTTGATTTTGATCAATAATCGCTGGCCATGA[T>C]TACTTGATGAATTATTGTTGCAACCCCAATGAGAATACACAGGAACAAAAAAAAAAAAAA-3'

ClinVar aggregate classification (germline): Conflicting classifications of pathogenicity. Review status: criteria provided, conflicting classifications (1 of 4 stars). 2 submissions from 1 submitter: Uncertain significance (1); Benign (1). Last evaluated 2018-01-13.

Conditions:
Hypoalphalipoproteinemia, primary, 1. Identifiers: Orphanet 425, MedGen C5231558, MONDO:0011393, OMIM 604091.
Tangier disease (TGD). Also called: HIGH DENSITY LIPOPROTEIN DEFICIENCY, TANGIER TYPE; HIGH DENSITY LIPOPROTEIN DEFICIENCY, TYPE 1; Cholesterol thesaurismosis. Identifiers: Orphanet 31150, MedGen C0039292, MONDO:0008783, OMIM 205400.

Allele frequency attached by ClinVar (database versions not stated): gnomAD 0.00030 and 0.00039; gnomAD exomes 0.00034; TOPMed 0.00043; 1000 Genomes Project 0.00100; 1000 Genomes Project 30x 0.00109.
gnomAD v4.1: 74 of 198,928 alleles (0.037%); highest among the groups gnomAD compares: East Asian, 0.87%; no homozygotes.

Submissions (2):

Illumina Laboratory Services, Illumina
Classification: Uncertain significance for Tangier disease. Last evaluated: 2018-01-13. Review status: criteria provided, single submitter. Criteria: ICSL Variant Classification Criteria 13 December 2019. Collection method: clinical testing. Allele origin: germline.

Illumina Laboratory Services, Illumina
Classification: Benign for Hypoalphalipoproteinemia, primary, 1. Last evaluated: 2018-01-13. Review status: criteria provided, single submitter. Criteria: ICSL Variant Classification Criteria 13 December 2019. Collection method: clinical testing. Allele origin: germline.
Comment: This variant was observed in the ICSL laboratory as part of a predisposition screen in an ostensibly healthy population. It had not been previously curated by ICSL or reported in the Human Gene Mutation Database (HGMD: prior to June 1st, 2018), and was therefore a candidate for classification through an automated scoring system. Utilizing variant allele frequency, disease prevalence and penetrance estimates, and inheritance mode, an automated score was calculated to assess if this variant is too frequent to cause the disease. Based on the score and internal cut-off values, a variant classified as benign is not then subjected to further curation. The score for this variant resulted in a classification of benign for this disease.